The following is an entry in ClinVar:

NM_001136271.3(NKX2-6):c.649G>T (p.Gly217Cys)

Gene: NKX2-6 (NK2 homeobox 6; minus strand). Cytogenetic location: 8p21.2.
Variant type: single nucleotide variant.
Coding change: c.649G>T on transcript NM_001136271.3 (MANE Select); coding-DNA position 649, G replaced by T.
Protein change: p.Gly217Cys; replaces glycine 217 with cysteine.
Molecular consequence: missense variant.
Genome position (GRCh38, 1-based): chr8:23,702,708, C>A on the plus strand (G>T on the coding strand, the complement: NKX2-6 is on the minus strand). VCF-style: chr8-23702708-C-A. GRCh37 (hg19) VCF-style: chr8-23560221-C-A.
Other names: short protein forms G217C.
Identifiers: ClinVar variation 849922 (VCV000849922.6), dbSNP rs946224551, ClinGen allele CA174010900.
Genomic context (GRCh38, chr8:23,702,708, plus strand): 5'-CTGCACTGTAGGGGCTGGGGAAGGCAGGTGCGCCGGGCCCGGGGCCCAGGCAGGGCTTGC[C>A]ATCGCGCACCAGGACGGGCACAGCTACTCGGCGCGGCGTTAGAGGGTGGCCAGCCAGTTC-3'
Protein context (NP_001129743.2, residues 207-227): RVAVPVLVRD[Gly217Cys]KPCLGPGPGA

ClinVar aggregate classification (germline): Uncertain significance (1 of 4 stars; one submission).

Conditions:
Conotruncal heart malformations (CTHM). Also called: Conotruncal heart malformations, variable. Identifiers: Orphanet 2445, Orphanet 3384, Orphanet 3426, MedGen C1857586, MONDO:0016581, OMIM 217095.

Allele frequency attached by ClinVar (database versions not stated): gnomAD exomes 0.00002; gnomAD 0.00004 and 0.00005; TOPMed 0.00004.
gnomAD v4.1: 70 of 1,551,332 alleles (0.0045%); highest among the groups gnomAD compares: Non-Finnish European, 0.0059%; no homozygotes.

Submission:

Labcorp Genetics (formerly Invitae), Labcorp
Classification: Uncertain significance for Conotruncal heart malformations. Last evaluated: 2019-12-30. Review status: criteria provided, single submitter. Criteria: Invitae Variant Classification Sherloc (09022015). Collection method: clinical testing. Allele origin: germline.
Comment: This sequence change replaces glycine with cysteine at codon 217 of the NKX2-6 protein (p.Gly217Cys). The glycine residue is highly conserved and there is a large physicochemical difference between glycine and cysteine. This variant is not present in population databases (ExAC no frequency). This variant has not been reported in the literature in individuals with NKX2-6-related conditions. Algorithms developed to predict the effect of missense changes on protein structure and function are either unavailable or do not agree on the potential impact of this missense change (SIFT: "Deleterious"; PolyPhen-2: "Probably Damaging"; Align-GVGD: "Class C15"). In summary, the available evidence is currently insufficient to determine the role of this variant in disease. Therefore, it has been classified as a Variant of Uncertain Significance.